The following is an entry in ClinVar:

NM_000059.4(BRCA2):c.10054C>T (p.Leu3352Phe)

Gene: BRCA2 (BRCA2 DNA repair associated; plus strand). Cytogenetic location: 13q13.1.
Variant type: single nucleotide variant.
Coding change: c.10054C>T on transcript NM_000059.4 (MANE Select); coding-DNA position 10054, C replaced by T.
Protein change: p.Leu3352Phe; replaces leucine 3352 with phenylalanine.
Molecular consequence: missense variant.
Genome position (GRCh38, 1-based): chr13:32,398,567, C>T. VCF-style: chr13-32398567-C-T. GRCh37 (hg19) VCF-style: chr13-32972704-C-T.
Other names: c.9958C>T, p.Leu3320Phe (NM_001406719.1); c.10003C>T, p.Leu3335Phe (NM_001406720.1); c.5122C>T, p.Leu1708Phe (NM_001406721.1); c.3637C>T, p.Leu1213Phe (NM_001406722.1); short protein forms L1213F, L1708F, L3320F, L3335F, L3352F.
Identifiers: ClinVar variation 1717851 (VCV001717851.9), dbSNP rs1475702169, ClinGen allele CA387767847.

ClinVar aggregate classification (germline): Uncertain significance. Review status: criteria provided, multiple submitters, no conflicts (2 of 4 stars). 2 submissions from 2 submitters: Uncertain significance (2). Last evaluated 2025-12-17.

Conditions:
Hereditary cancer-predisposing syndrome. Also called: Tumor predisposition; Hereditary Cancer Syndrome; Hereditary neoplastic syndrome; Neoplastic Syndromes, Hereditary. Identifiers: Orphanet 140162, MedGen C0027672, MeSH D009386, MONDO:0015356.
Hereditary breast ovarian cancer syndrome. Also called: Hereditary breast and ovarian cancer; Breast and ovarian cancer; Hereditary breast and ovarian cancer syndrome (HBOC); Hereditary breast and/or ovarian cancer syndrome; BRCA1- and BRCA2-Associated Hereditary Breast and Ovarian Cancer; Hereditary breast and ovarian cancer syndrome. Identifiers: Orphanet 145, MedGen C0677776, MeSH D061325, MONDO:0003582. Disease mechanism: loss of function.

Submissions (2):

Ambry Genetics
Classification: Uncertain significance for Hereditary cancer-predisposing syndrome. Last evaluated: 2025-12-17. Review status: criteria provided, single submitter. Criteria: Ambry Variant Classification Scheme 2023. Collection method: clinical testing. Allele origin: germline.
Comment: The p.L3352F variant (also known as c.10054C>T), located in coding exon 26 of the BRCA2 gene, results from a C to T substitution at nucleotide position 10054. The leucine at codon 3352 is replaced by phenylalanine, an amino acid with highly similar properties. This amino acid position is well conserved in available vertebrate species; however, phenylalanine is the reference amino acid in other vertebrate species. In addition, this alteration is predicted to be tolerated by in silico analysis. Since supporting evidence is limited at this time, the clinical significance of this alteration remains unclear.

Labcorp Genetics (formerly Invitae), Labcorp
Classification: Uncertain significance for Hereditary breast ovarian cancer syndrome. Last evaluated: 2022-08-23. Review status: criteria provided, single submitter. Criteria: Invitae Variant Classification Sherloc (09022015). Collection method: clinical testing. Allele origin: germline.
Comment: This sequence change replaces leucine, which is neutral and non-polar, with phenylalanine, which is neutral and non-polar, at codon 3352 of the BRCA2 protein (p.Leu3352Phe). This variant is not present in population databases (gnomAD no frequency). This variant has not been reported in the literature in individuals affected with BRCA2-related conditions. Advanced modeling of protein sequence and biophysical properties (such as structural, functional, and spatial information, amino acid conservation, physicochemical variation, residue mobility, and thermodynamic stability) performed at Invitae indicates that this missense variant is not expected to disrupt BRCA2 protein function. In summary, the available evidence is currently insufficient to determine the role of this variant in disease. Therefore, it has been classified as a Variant of Uncertain Significance.